The following is an entry in ClinVar:

NM_017739.4(POMGNT1):c.1769G>C (p.Trp590Ser)

Genes: POMGNT1 (protein O-linked mannose N-acetylglucosaminyltransferase 1 (beta 1,2-); minus strand), TSPAN1 (tetraspanin 1; plus strand). Cytogenetic location: 1p34.1.
Variant type: single nucleotide variant.
Coding change: c.1769G>C on transcript NM_017739.4 (MANE Select); coding-DNA position 1769, G replaced by C.
Protein change: p.Trp590Ser; replaces tryptophan 590 with serine.
Molecular consequence: missense variant.
Genome position (GRCh38, 1-based): chr1:46,189,870, C>G on the plus strand (G>C on the coding strand, the complement: POMGNT1 is on the minus strand). VCF-style: chr1-46189870-C-G. GRCh37 (hg19) VCF-style: chr1-46655542-C-G.
Other names: c.1769G>C, p.Trp590Ser (NM_001243766.2, NM_001410783.1); c.1703G>C, p.Trp568Ser (NM_001290129.3); c.1340G>C, p.Trp447Ser (NM_001290130.2); short protein forms W447S, W568S, W590S.
Identifiers: ClinVar variation 3339038 (VCV003339038.1).

ClinVar aggregate classification (germline): Uncertain significance (1 of 4 stars; one submission).

gnomAD v4.1: 5 of 1,613,762 alleles (0.00031%); highest among the groups gnomAD compares: South Asian, 0.0055%; no homozygotes.

Submission:

Women's Health and Genetics/Laboratory Corporation of America, LabCorp
Classification: Uncertain significance. Last evaluated: 2024-07-09. Review status: criteria provided, single submitter. Criteria: LabCorp Variant Classification Summary - May 2015. Collection method: clinical testing. Allele origin: germline.
Comment: Variant summary: POMGNT1 c.1769G>C (p.Trp590Ser) results in a non-conservative amino acid change in the encoded protein sequence. Five of five in-silico tools predict a damaging effect of the variant on protein function. The variant allele was found at a frequency of 8e-06 in 249968 control chromosomes. The available data on variant occurrences in the general population are insufficient to allow any conclusion about variant significance. To our knowledge, no occurrence of c.1769G>C in individuals affected with Limb-Girdle Muscular Dystrophy, Autosomal Recessive and no experimental evidence demonstrating its impact on protein function have been reported. No submitters have cited clinical-significance assessments for this variant to ClinVar. Based on the evidence outlined above, the variant was classified as uncertain significance.